The following is an entry in ClinVar:

ClinVar aggregate classification (germline): Benign (1 of 4 stars; one submission).

Allele frequency attached by ClinVar (database versions not stated): ESP Exome Variant Server 0.00048; 1000 Genomes Project 0.00060; 1000 Genomes Project 30x 0.00094.
gnomAD v4.1: 201 of 1,612,874 alleles (0.012%); highest among the groups gnomAD compares: African/African-American, 0.25%; no homozygotes.

Submission:

CeGaT Center for Human Genetics Tuebingen
Classification: Benign. Last evaluated: 2022-05-01. Review status: criteria provided, single submitter. Criteria: CeGaT Center For Human Genetics Tuebingen Variant Classification Criteria Version 2. Collection method: clinical testing. Allele origin: germline. Affected: yes. Observed: 1 variant allele.
Comment: TNS3: BP4, BS1, BS2

NM_022748.12(TNS3):c.1817A>G (p.Asp606Gly)

Gene: TNS3 (tensin 3; minus strand). Cytogenetic location: 7p12.3.
Variant type: single nucleotide variant.
Coding change: c.1817A>G on transcript NM_022748.12 (MANE Select); coding-DNA position 1817, A replaced by G.
Protein change: p.Asp606Gly; replaces aspartic acid 606 with glycine.
Molecular consequence: missense variant.
Genome position (GRCh38, 1-based): chr7:47,368,829, T>C on the plus strand (A>G on the coding strand, the complement: TNS3 is on the minus strand). VCF-style: chr7-47368829-T-C. GRCh37 (hg19) VCF-style: chr7-47408426-T-C.
Other names: c.2159A>G, p.Asp720Gly (NM_001410877.1); c.2126A>G, p.Asp709Gly (NM_001410878.1); short protein forms D606G, D709G, D720G.
Identifiers: ClinVar variation 2657453 (VCV002657453.24), dbSNP rs73326532, ClinGen allele CA4250816.